The following is an entry in ClinVar:

ClinVar aggregate classification (germline): Uncertain significance. Review status: criteria provided, multiple submitters, no conflicts (2 of 4 stars). 4 submissions from 2 submitters: Uncertain significance (4). Last evaluated 2023-06-24.

Conditions:
Hereditary pheochromocytoma and paraganglioma. Also called: Hereditary Paraganglioma-Pheochromocytoma Syndromes; Hereditary paragangliomas and pheochromocytomas; Hereditary pheochromocytoma-paraganglioma. Identifiers: Orphanet 29072, MedGen C4274332, MONDO:0017366.
Mitochondrial complex II deficiency, nuclear type 1. Also called: SUCCINATE CoQ REDUCTASE DEFICIENCY. Identifiers: Orphanet 3208, MedGen C5700310, MONDO:0100294, OMIM 252011.
Pheochromocytoma/paraganglioma syndrome 5. Also called: Paragangliomas 5; SDHA-Related Hereditary Paraganglioma-Pheochromocytoma Syndrome. Identifiers: Orphanet 29072, MedGen C3279992, MONDO:0013602, OMIM 614165.
Leigh syndrome (NULS). Also called: Leigh Disease; Subacute necrotizing encephalopathy; Necrotizing encephalopathy infantile subacute of Leigh; LEIGH SYNDROME, NUCLEAR; Leigh's necrotizing encephalopathy; Leigh's disease. Identifiers: Orphanet 506, MedGen C2931891, MONDO:0009723, OMIM 256000.

Submissions (4):

Labcorp Genetics (formerly Invitae), Labcorp
Classification: Uncertain significance for Pheochromocytoma/paraganglioma syndrome 5; Mitochondrial complex II deficiency, nuclear type 1. Last evaluated: 2023-06-24. Review status: criteria provided, single submitter. Criteria: Invitae Variant Classification Sherloc (09022015). Collection method: clinical testing. Allele origin: germline.
Comment: This variant is not present in population databases (gnomAD no frequency). In summary, the available evidence is currently insufficient to determine the role of this variant in disease. Therefore, it has been classified as a Variant of Uncertain Significance. Advanced modeling of protein sequence and biophysical properties (such as structural, functional, and spatial information, amino acid conservation, physicochemical variation, residue mobility, and thermodynamic stability) performed at Invitae indicates that this missense variant is not expected to disrupt SDHA protein function. ClinVar contains an entry for this variant (Variation ID: 353202). This variant has not been reported in the literature in individuals affected with SDHA-related conditions. This sequence change replaces valine, which is neutral and non-polar, with alanine, which is neutral and non-polar, at codon 90 of the SDHA protein (p.Val90Ala).

Illumina Laboratory Services, Illumina
Classification: Uncertain significance for Leigh syndrome. Last evaluated: 2018-01-12. Review status: criteria provided, single submitter. Criteria: ICSL Variant Classification Criteria 13 December 2019. Collection method: clinical testing. Allele origin: germline.

Illumina Laboratory Services, Illumina
Classification: Uncertain significance for Mitochondrial complex II deficiency, nuclear type 1. Last evaluated: 2018-01-12. Review status: criteria provided, single submitter. Criteria: ICSL Variant Classification Criteria 13 December 2019. Collection method: clinical testing. Allele origin: germline.

Illumina Laboratory Services, Illumina
Classification: Uncertain significance for Hereditary Paraganglioma-Pheochromocytoma Syndromes. Last evaluated: 2018-01-12. Review status: criteria provided, single submitter. Criteria: ICSL Variant Classification Criteria 13 December 2019. Collection method: clinical testing. Allele origin: germline.

NM_004168.4(SDHA):c.269T>C (p.Val90Ala)

Gene: SDHA (succinate dehydrogenase complex flavoprotein subunit A; plus strand). Cytogenetic location: 5p15.33.
Variant type: single nucleotide variant.
Coding change: c.269T>C on transcript NM_004168.4 (MANE Select); coding-DNA position 269, T replaced by C.
Protein change: p.Val90Ala; replaces valine 90 with alanine.
Molecular consequence: missense variant.
Genome position (GRCh38, 1-based): chr5:224,478, T>C. VCF-style: chr5-224478-T-C. GRCh37 (hg19) VCF-style: chr5-224593-T-C.
Other names: c.269T>C, p.Val90Ala (NM_001294332.2, NM_001330758.2); short protein forms V90A.
Identifiers: ClinVar variation 353202 (VCV000353202.8), dbSNP rs886060514, ClinGen allele CA10624326.